The following is an entry in ClinVar:

NM_002249.6(KCNN3):c.1702-3T>C

Gene: KCNN3 (potassium calcium-activated channel subfamily N member 3; minus strand). Cytogenetic location: 1q21.3.
Variant type: single nucleotide variant.
Coding change: c.1702-3T>C on transcript NM_002249.6 (MANE Select); 3 bases into the intron before coding-DNA position 1702, T replaced by C.
Molecular consequence: intron variant.
Genome position (GRCh38, 1-based): chr1:154,715,006, A>G on the plus strand (T>C on the coding strand, the complement: KCNN3 is on the minus strand). VCF-style: chr1-154715006-A-G. GRCh37 (hg19) VCF-style: chr1-154687482-A-G.
Other names: c.1747-3T>C (NM_001204087.2); c.787-3T>C (NM_170782.3); c.763-3T>C (NM_001365838.1); c.808-3T>C (NM_001365837.1).
Identifiers: ClinVar variation 4681421 (VCV004681421.6).

ClinVar aggregate classification (germline): Likely benign. Review status: criteria provided, multiple submitters, no conflicts (2 of 4 stars). 2 submissions from 2 submitters: Likely benign (2). Last evaluated 2026-07-01.

gnomAD v4.1: 1,313 of 1,613,500 alleles (0.081%); highest among the groups gnomAD compares: African/African-American, 1.4%; 11 homozygotes.

Submissions (2):

CeGaT Center for Human Genetics Tuebingen
Classification: Likely benign. Last evaluated: 2026-07-01. Review status: criteria provided, single submitter. Criteria: CeGaT Center For Human Genetics Tuebingen Variant Classification Criteria Version 2. Collection method: clinical testing. Allele origin: germline. Affected: yes. Observed: 3 variant alleles.
Comment: KCNN3: BP4, BS1

Blueprint Genetics
Classification: Likely benign. Last evaluated: 2024-11-15. Review status: criteria provided, single submitter. Criteria: ACMG Guidelines, 2015. Collection method: clinical testing. Allele origin: germline.